The following is an entry in ClinVar:

NM_001270.4(CHD1):c.3984T>G (p.Ser1328Arg)

Gene: CHD1 (chromodomain helicase DNA binding protein 1; minus strand). Cytogenetic location: 5q15.
Variant type: single nucleotide variant.
Coding change: c.3984T>G on transcript NM_001270.4 (MANE Select); coding-DNA position 3984, T replaced by G.
Protein change: p.Ser1328Arg; replaces serine 1328 with arginine.
Molecular consequence: missense variant. On other transcripts: non-coding transcript variant (2).
Genome position (GRCh38, 1-based): chr5:98,869,877, A>C on the plus strand (T>G on the coding strand, the complement: CHD1 is on the minus strand). VCF-style: chr5-98869877-A-C. GRCh37 (hg19) VCF-style: chr5-98205581-A-C.
Other names: c.3984T>G, p.Ser1328Arg (NM_001364113.3, NM_001376194.2); short protein forms S1328R.
Identifiers: ClinVar variation 4998556 (VCV004998556.1).
Genomic context (GRCh38, chr5:98,869,877, plus strand): 5'-TTTCACTTTTATAGACTTCATTGCTTTATTCTTCTTAGCTCTTGCTTTTCTCCTCTTTGA[A>C]CTTCCCTAAAAATCATTATTTTAATTTTAACCAATTCTACAGATTTCATTTTTAAAAACT-3'
Protein context (NP_001261.2, residues 1318-1338): AKKEALSGAG[Ser1328Arg]SKRRKARAKK

ClinVar aggregate classification (germline): Uncertain significance (1 of 4 stars; one submission).

Conditions:
CHD1-related disorder. Also called: CHD1-related condition.

Submission:

PreventionGenetics, part of Exact Sciences
Classification: Uncertain significance for CHD1-related condition. Last evaluated: 2025-08-08. Review status: criteria provided, single submitter. Criteria: ACMG Guidelines, 2015. Collection method: clinical testing. Allele origin: germline.
Comment: The CHD1 c.3984T>G variant is predicted to result in the amino acid substitution p.Ser1328Arg. This variant is predicted to alter splicing based on available splicing prediction programs (SpliceAI, Jaganathan et al. 2019. PubMed ID: 30661751). However, the use of computer prediction programs is not equivalent to functional evidence. To our knowledge, this variant has not been reported in the literature or in a large population database (gnomAD), indicating this variant is rare. At this time, the clinical significance of this variant is uncertain due to the absence of conclusive functional and genetic evidence.